The following is an entry in ClinVar:

ClinVar aggregate classification (germline): Uncertain significance. Review status: criteria provided, multiple submitters, no conflicts (2 of 4 stars). 4 submissions from 4 submitters: Uncertain significance (4). Last evaluated 2022-09-07.

Conditions:
Meckel-Gruber syndrome. Also called: Dysencephalia splachnocystica; DYSENCEPHALIA SPLANCHNOCYSTICA; GRUBER SYNDROME. Identifiers: Orphanet 564, MedGen C0265215, MONDO:0018921.
Joubert syndrome. Also called: Familial aplasia of the vermis; JOUBERT-BOLTSHAUSER SYNDROME. Identifiers: Orphanet 475, MedGen C5979921, MONDO:0018772.
Inborn genetic diseases. Identifiers: MedGen C0950123, MeSH D030342.

Allele frequency attached by ClinVar (database versions not stated): gnomAD exomes below 0.00001; gnomAD 0.00001; TOPMed 0.00001.
gnomAD v4.1: 9 of 1,613,576 alleles (0.00056%); highest among the groups gnomAD compares: East Asian, 0.0045%; no homozygotes.

Submissions (4):

Ambry Genetics
Classification: Uncertain significance for Inborn genetic diseases. Last evaluated: 2022-09-07. Review status: criteria provided, single submitter. Criteria: Ambry Variant Classification Scheme 2023. Collection method: clinical testing. Allele origin: germline.

Labcorp Genetics (formerly Invitae), Labcorp
Classification: Uncertain significance for Joubert syndrome; Meckel-Gruber syndrome. Last evaluated: 2022-08-23. Review status: criteria provided, single submitter. Criteria: Invitae Variant Classification Sherloc (09022015). Collection method: clinical testing. Allele origin: germline.
Comment: This sequence change replaces isoleucine, which is neutral and non-polar, with valine, which is neutral and non-polar, at codon 408 of the CC2D2A protein (p.Ile408Val). This variant is present in population databases (no rsID available, gnomAD 0.006%). This variant has not been reported in the literature in individuals affected with CC2D2A-related conditions. ClinVar contains an entry for this variant (Variation ID: 597869). Advanced modeling of protein sequence and biophysical properties (such as structural, functional, and spatial information, amino acid conservation, physicochemical variation, residue mobility, and thermodynamic stability) performed at Invitae indicates that this missense variant is not expected to disrupt CC2D2A protein function. In summary, the available evidence is currently insufficient to determine the role of this variant in disease. Therefore, it has been classified as a Variant of Uncertain Significance.

GeneDx
Classification: Uncertain significance. Last evaluated: 2022-04-05. Review status: criteria provided, single submitter. Criteria: GeneDx Variant Classification Process June 2021. Collection method: clinical testing. Allele origin: germline. Affected: yes.
Comment: Not observed at significant frequency in large population cohorts (gnomAD); In silico analysis supports that this missense variant does not alter protein structure/function; Has not been previously published as pathogenic or benign to our knowledge

Eurofins Ntd Llc (ga)
Classification: Uncertain significance. Last evaluated: 2018-06-29. Review status: criteria provided, single submitter. Criteria: EGL ClinVar v180209 classification definitions. Collection method: clinical testing. Allele origin: germline. Observed: 1 variant allele, 1 heterozygote.

NM_001378615.1(CC2D2A):c.1222A>G (p.Ile408Val)

Genes: CC2D2A (coiled-coil and C2 domain containing 2A; plus strand), FBXL5 (F-box and leucine rich repeat protein 5; minus strand). Cytogenetic location: 4p15.32.
Variant type: single nucleotide variant.
Coding change: c.1222A>G on transcript NM_001378615.1 (MANE Select); coding-DNA position 1222, A replaced by G.
Protein change: p.Ile408Val; replaces isoleucine 408 with valine.
Molecular consequence: missense variant.
Genome position (GRCh38, 1-based): chr4:15,527,519, A>G. VCF-style: chr4-15527519-A-G. GRCh37 (hg19) VCF-style: chr4-15529142-A-G.
Other names: c.1222A>G, p.Ile408Val (NM_001080522.2); c.1075A>G, p.Ile359Val (NM_001378617.1); short protein forms I408V, I359V.
Identifiers: ClinVar variation 597869 (VCV000597869.10), dbSNP rs1196012902, ClinGen allele CA356410263.
Genomic context (GRCh38, chr4:15,527,519, plus strand): 5'-GTTCACAGTAGTCAGCATGTGATCAGATCTGGAGACCCTCCTGGAAATTTCCAACTGGAC[A>G]TTGATATTTCAGGGTTAATCTTCACTCATCATCCCTGTTTTAGCCGAGAGCATGTTTTGG-3'
Protein context (NP_001365544.1, residues 398-418): GDPPGNFQLD[Ile408Val]DISGLIFTHH